The following is an entry in ClinVar:

NM_021072.4(HCN1):c.1916T>C (p.Ile639Thr)

Gene: HCN1 (hyperpolarization activated cyclic nucleotide gated potassium channel 1; minus strand). Cytogenetic location: 5p12.
Variant type: single nucleotide variant.
Coding change: c.1916T>C on transcript NM_021072.4 (MANE Select); coding-DNA position 1916, T replaced by C.
Protein change: p.Ile639Thr; replaces isoleucine 639 with threonine.
Molecular consequence: missense variant.
Genome position (GRCh38, 1-based): chr5:45,262,678, A>G on the plus strand (T>C on the coding strand, the complement: HCN1 is on the minus strand). VCF-style: chr5-45262678-A-G. GRCh37 (hg19) VCF-style: chr5-45262780-A-G.
Other names: short protein forms I639T.
Identifiers: ClinVar variation 3702713 (VCV003702713.2).

ClinVar aggregate classification (germline): Uncertain significance (1 of 4 stars; one submission).

Conditions:
Early-infantile DEE. Also called: Early infantile epileptic encephalopathy with suppression bursts; Early infantile epileptic encephalopathy; Ohtahara syndrome. Identifiers: Orphanet 1934, MedGen C0393706, MONDO:0800491.

gnomAD v4.1: 8 of 1,613,932 alleles (0.0005%); highest among the groups gnomAD compares: Non-Finnish European, 0.00068%; no homozygotes.

Submission:

Labcorp Genetics (formerly Invitae), Labcorp
Classification: Uncertain significance for Early-infantile DEE. Last evaluated: 2024-03-26. Review status: criteria provided, single submitter. Criteria: Invitae Variant Classification Sherloc (09022015). Collection method: clinical testing. Allele origin: germline.
Comment: This sequence change replaces isoleucine, which is neutral and non-polar, with threonine, which is neutral and polar, at codon 639 of the HCN1 protein (p.Ile639Thr). This variant is not present in population databases (gnomAD no frequency). This variant has not been reported in the literature in individuals affected with HCN1-related conditions. Advanced modeling of protein sequence and biophysical properties (such as structural, functional, and spatial information, amino acid conservation, physicochemical variation, residue mobility, and thermodynamic stability) performed at Invitae indicates that this missense variant is not expected to disrupt HCN1 protein function with a negative predictive value of 95%. In summary, the available evidence is currently insufficient to determine the role of this variant in disease. Therefore, it has been classified as a Variant of Uncertain Significance.